The following is an entry in ClinVar:

ClinVar aggregate classification (germline): Likely pathogenic (1 of 4 stars; one submission).

Conditions:
Hereditary cancer-predisposing syndrome. Also called: Hereditary neoplastic syndrome; Neoplastic Syndromes, Hereditary; Tumor predisposition; Hereditary Cancer Syndrome. Identifiers: Orphanet 140162, MedGen C0027672, MeSH D009386, MONDO:0015356.

Submission:

Ambry Genetics
Classification: Likely pathogenic for Hereditary cancer-predisposing syndrome. Last evaluated: 2022-08-03. Review status: criteria provided, single submitter. Criteria: Ambry Variant Classification Scheme 2023. Collection method: clinical testing. Allele origin: germline.
Comment: The c.9071delC variant, located in coding exon 62 of the ATM gene, results from a deletion of one nucleotide at nucleotide position 9071, causing a translational frameshift with a predicted alternate stop codon (p.T3024Mfs*9). This alteration occurs at the 3' terminus of theATM gene, is not expected to trigger nonsense-mediated mRNA decay, and only impacts the last 33 amino acids of the protein. However, premature stop codons are typically deleterious in nature and the impacted region is critical for protein function (Ambry internal data). This variant is also considered to be rare based on population cohorts in the Genome Aggregation Database (gnomAD). Based on the majority of available evidence to date, this variant is likely to be pathogenic.

NM_000051.4(ATM):c.9071del (p.Thr3024fs)

Genes: ATM (ATM serine/threonine kinase; plus strand), C11orf65 (chromosome 11 open reading frame 65; minus strand). Cytogenetic location: 11q22.3.
Variant type: Deletion.
Coding change: c.9071del on transcript NM_000051.4 (MANE Select); coding-DNA position 9071, one base deleted (C; older notation c.9071delC).
Protein change: p.Thr3024fs; shifts the reading frame from threonine 3024.
Molecular consequence: frameshift variant. On other transcripts: intron variant (2).
Genome position (GRCh38, 1-based): chr11:108,365,408, C deleted. VCF-style (leftmost placement, unchanged base first): chr11-108365407-AC-A. GRCh37 (hg19) VCF-style: chr11-108236134-AC-A.
Other names: c.9071del, p.Thr3024fs (NM_001351834.2); c.640+20512del (NM_001330368.2); c.694+20512del (NM_001351110.2); short protein forms T3024fs.
Identifiers: ClinVar variation 1765678 (VCV001765678.2), dbSNP rs2547684822, ClinGen allele CA2580083175.
Genomic context (GRCh38, chr11:108,365,407, plus strand): 5'-AAAGTAGCTGAACGTGTCTTAATGAGACTACAAGAGAAACTGAAAGGAGTGGAAGAAGGC[AC>A]TGTGCTCAGTGTTGGTGGACAAGTGAATTTGCTCATACAGCAGGCCATAGACCCCAAAAA-3'